The following is an entry in ClinVar:

ClinVar aggregate classification (germline): Uncertain significance. Review status: criteria provided, multiple submitters, no conflicts (2 of 4 stars). 2 submissions from 2 submitters: Uncertain significance (2). Last evaluated 2024-11-22.

Conditions:
Hereditary cancer-predisposing syndrome. Also called: Hereditary Cancer Syndrome; Tumor predisposition; Neoplastic Syndromes, Hereditary; Hereditary neoplastic syndrome. Identifiers: Orphanet 140162, MedGen C0027672, MeSH D009386, MONDO:0015356.
Cardiovascular phenotype. Identifiers: MedGen CN230736.
Neurofibromatosis, type 1 (NF1). Also called: VON RECKLINGHAUSEN DISEASE; Neurofibromatosis, type I; NEUROFIBROMATOSIS, TYPE I, SOMATIC; Peripheral type neurofibromatosis. Identifiers: Orphanet 636, MedGen C0027831, MONDO:0018975, OMIM 162200. Disease mechanism: loss of function.

Submissions (2):

Labcorp Genetics (formerly Invitae), Labcorp
Classification: Uncertain significance for Neurofibromatosis, type 1. Last evaluated: 2024-11-22. Review status: criteria provided, single submitter. Criteria: Invitae Variant Classification Sherloc (09022015). Collection method: clinical testing. Allele origin: germline.
Comment: This sequence change replaces serine, which is neutral and polar, with glycine, which is neutral and non-polar, at codon 2131 of the NF1 protein (p.Ser2131Gly). This variant is not present in population databases (gnomAD no frequency). This variant has not been reported in the literature in individuals affected with NF1-related conditions. ClinVar contains an entry for this variant (Variation ID: 3237875). Invitae Evidence Modeling of protein sequence and biophysical properties (such as structural, functional, and spatial information, amino acid conservation, physicochemical variation, residue mobility, and thermodynamic stability) indicates that this missense variant is expected to disrupt NF1 protein function with a positive predictive value of 95%. In summary, the available evidence is currently insufficient to determine the role of this variant in disease. Therefore, it has been classified as a Variant of Uncertain Significance.

Ambry Genetics
Classification: Uncertain significance for Cardiovascular phenotype; Hereditary cancer-predisposing syndrome. Last evaluated: 2023-11-08. Review status: criteria provided, single submitter. Criteria: Ambry Variant Classification Scheme 2023. Collection method: clinical testing. Allele origin: germline.
Comment: The p.S2131G variant (also known as c.6391A>G), located in coding exon 42 of the NF1 gene, results from an A to G substitution at nucleotide position 6391. The serine at codon 2131 is replaced by glycine, an amino acid with similar properties. This amino acid position is conserved. In addition, this alteration is predicted to be deleterious by in silico analysis. Since supporting evidence is limited at this time, the clinical significance of this alteration remains unclear.

NM_001042492.3(NF1):c.6454A>G (p.Ser2152Gly)

Gene: NF1 (neurofibromin 1; plus strand). Cytogenetic location: 17q11.2.
Variant type: single nucleotide variant.
Coding change: c.6454A>G on transcript NM_001042492.3 (MANE Select); coding-DNA position 6454, A replaced by G.
Protein change: p.Ser2152Gly; replaces serine 2152 with glycine.
Molecular consequence: missense variant.
Genome position (GRCh38, 1-based): chr17:31,337,394, A>G. VCF-style: chr17-31337394-A-G. GRCh37 (hg19) VCF-style: chr17-29664412-A-G.
Other names: c.6391A>G, p.Ser2131Gly (NM_000267.4); short protein forms S2131G, S2152G.
Identifiers: ClinVar variation 3237875 (VCV003237875.3), dbSNP rs2151556021.